The following is an entry in ClinVar:

ClinVar aggregate classification (germline): Uncertain significance. Review status: criteria provided, multiple submitters, no conflicts (2 of 4 stars). 2 submissions from 2 submitters: Uncertain significance (2). Last evaluated 2023-11-09.

Conditions:
Inborn genetic diseases. Identifiers: MedGen C0950123, MeSH D030342.
Spastic paraplegia. Identifiers: MedGen C0037772, HP:0001258.

Allele frequency attached by ClinVar (database versions not stated): gnomAD 0.00001; ExAC 0.00002; TOPMed 0.00002; gnomAD exomes 0.00003.
gnomAD v4.1: 6 of 1,611,624 alleles (0.00037%); highest among the groups gnomAD compares: East Asian, 0.013%; no homozygotes.

Submissions (2):

Ambry Genetics
Classification: Uncertain significance for Inborn genetic diseases. Last evaluated: 2023-11-09. Review status: criteria provided, single submitter. Criteria: Ambry Variant Classification Scheme 2023. Collection method: clinical testing. Allele origin: germline.

Labcorp Genetics (formerly Invitae), Labcorp
Classification: Uncertain significance for Spastic paraplegia. Last evaluated: 2021-08-27. Review status: criteria provided, single submitter. Criteria: Invitae Variant Classification Sherloc (09022015). Collection method: clinical testing. Allele origin: germline.
Comment: In summary, the available evidence is currently insufficient to determine the role of this variant in disease. Therefore, it has been classified as a Variant of Uncertain Significance. Algorithms developed to predict the effect of sequence changes on RNA splicing suggest that this variant may create or strengthen a splice site. Algorithms developed to predict the effect of missense changes on protein structure and function are either unavailable or do not agree on the potential impact of this missense change (SIFT: "Tolerated"; PolyPhen-2: "Probably Damaging"; Align-GVGD: "Class C0"). This variant has not been reported in the literature in individuals affected with RTN2-related conditions. This variant is present in population databases (rs761037026, ExAC 0.03%). This sequence change replaces histidine with glutamine at codon 382 of the RTN2 protein (p.His382Gln). The histidine residue is moderately conserved and there is a small physicochemical difference between histidine and glutamine.

NM_005619.5(RTN2):c.1146C>G (p.His382Gln)

Genes: OPA3-RTN2 (OPA3-RTN2 readthrough; minus strand), RTN2 (reticulon 2; minus strand). Cytogenetic location: 19q13.32.
Variant type: single nucleotide variant.
Coding change: c.1146C>G on transcript NM_005619.5 (MANE Select); coding-DNA position 1146, C replaced by G.
Protein change: p.His382Gln; replaces histidine 382 with glutamine.
Molecular consequence: missense variant.
Genome position (GRCh38, 1-based): chr19:45,489,441, G>C on the plus strand (C>G on the coding strand, the complement: RTN2 is on the minus strand). VCF-style: chr19-45489441-G-C. GRCh37 (hg19) VCF-style: chr19-45992699-G-C.
Other names: c.927C>G, p.His309Gln (NM_206900.3); c.126C>G, p.His42Gln (NM_206901.3); c.1146C>G (NM_005619.3); short protein forms H42Q, H382Q, H309Q.
Identifiers: ClinVar variation 1348816 (VCV001348816.7), dbSNP rs761037026, ClinGen allele CA9516070.